The following is an entry in ClinVar:

NM_002480.3(PPP1R12A):c.2638A>G (p.Lys880Glu)

Gene: PPP1R12A (protein phosphatase 1 regulatory subunit 12A; minus strand). Cytogenetic location: 12q21.2.
Variant type: single nucleotide variant.
Coding change: c.2638A>G on transcript NM_002480.3 (MANE Select); coding-DNA position 2638, A replaced by G.
Protein change: p.Lys880Glu; replaces lysine 880 with glutamic acid.
Molecular consequence: missense variant.
Genome position (GRCh38, 1-based): chr12:79,793,874, T>C on the plus strand (A>G on the coding strand, the complement: PPP1R12A is on the minus strand). VCF-style: chr12-79793874-T-C. GRCh37 (hg19) VCF-style: chr12-80187654-T-C.
Other names: c.2638A>G, p.Lys880Glu (NM_001143885.2, NM_001244990.2); c.2377A>G, p.Lys793Glu (NM_001143886.2); c.2470A>G, p.Lys824Glu (NM_001244992.1); short protein forms K880E, K824E, K793E.
Identifiers: ClinVar variation 1974694 (VCV001974694.6), dbSNP rs1012673952, ClinGen allele CA240149114.

ClinVar aggregate classification (germline): Uncertain significance. Review status: criteria provided, multiple submitters, no conflicts (2 of 4 stars). 2 submissions from 2 submitters: Uncertain significance (2). Last evaluated 2025-05-12.

Allele frequency attached by ClinVar (database versions not stated): TOPMed below 0.00001; gnomAD 0.00001.

Submissions (2):

Women's Health and Genetics/Laboratory Corporation of America, LabCorp
Classification: Uncertain significance. Last evaluated: 2025-05-12. Review status: criteria provided, single submitter. Criteria: LabCorp Variant Classification Summary - May 2015. Collection method: clinical testing. Allele origin: germline.
Comment: Variant summary: PPP1R12A c.2638A>G (p.Lys880Glu) results in a conservative amino acid change in the encoded protein sequence. Algorithms developed to predict the effect of missense changes on protein structure and function are either unavailable or do not agree on the potential impact of this missense change. The variant was absent in 236246 control chromosomes. The available data on variant occurrences in the general population are insufficient to allow any conclusion about variant significance. To our knowledge, no occurrence of c.2638A>G in individuals affected with Genitourinary And/or Brain Malformation Syndrome and no experimental evidence demonstrating its impact on protein function have been reported. ClinVar contains an entry for this variant (Variation ID: 1974694). Based on the evidence outlined above, the variant was classified as uncertain significance.

Labcorp Genetics (formerly Invitae), Labcorp
Classification: Uncertain significance. Last evaluated: 2022-03-18. Review status: criteria provided, single submitter. Criteria: Invitae Variant Classification Sherloc (09022015). Collection method: clinical testing. Allele origin: germline.
Comment: This sequence change replaces lysine, which is basic and polar, with glutamic acid, which is acidic and polar, at codon 880 of the PPP1R12A protein (p.Lys880Glu). This variant is not present in population databases (gnomAD no frequency). This variant has not been reported in the literature in individuals affected with PPP1R12A-related conditions. Algorithms developed to predict the effect of missense changes on protein structure and function (SIFT, PolyPhen-2, Align-GVGD) all suggest that this variant is likely to be tolerated. In summary, the available evidence is currently insufficient to determine the role of this variant in disease. Therefore, it has been classified as a Variant of Uncertain Significance.